The following is an entry in ClinVar:

ClinVar aggregate classification (germline): Uncertain significance. Review status: criteria provided, multiple submitters, no conflicts (2 of 4 stars). 2 submissions from 2 submitters: Uncertain significance (2). Last evaluated 2025-03-19.

Conditions:
RYR1-related disorder. Also called: RYR1-related condition; RYR1-related disorders. Identifiers: MedGen CN239331.

Submissions (2):

Labcorp Genetics (formerly Invitae), Labcorp
Classification: Uncertain significance for RYR1-related disorder. Last evaluated: 2025-03-19. Review status: criteria provided, single submitter. Criteria: Invitae Variant Classification Sherloc (09022015). Collection method: clinical testing. Allele origin: germline.
Comment: This sequence change replaces leucine, which is neutral and non-polar, with methionine, which is neutral and non-polar, at codon 1201 of the RYR1 protein (p.Leu1201Met). This variant is not present in population databases (gnomAD no frequency). This variant has not been reported in the literature in individuals affected with RYR1-related conditions. ClinVar contains an entry for this variant (Variation ID: 2435570). Invitae Evidence Modeling of protein sequence and biophysical properties (such as structural, functional, and spatial information, amino acid conservation, physicochemical variation, residue mobility, and thermodynamic stability) indicates that this missense variant is not expected to disrupt RYR1 protein function with a negative predictive value of 95%. In summary, the available evidence is currently insufficient to determine the role of this variant in disease. Therefore, it has been classified as a Variant of Uncertain Significance.

Revvity Omics, Revvity
Classification: Uncertain significance. Last evaluated: 2021-08-13. Review status: criteria provided, single submitter. Criteria: ACMG Guidelines, 2015. Collection method: clinical testing. Allele origin: germline.

NM_000540.3(RYR1):c.3601C>A (p.Leu1201Met)

Gene: RYR1 (ryanodine receptor 1; plus strand). Cytogenetic location: 19q13.2.
Variant type: single nucleotide variant.
Coding change: c.3601C>A on transcript NM_000540.3 (MANE Select); coding-DNA position 3601, C replaced by A.
Protein change: p.Leu1201Met; replaces leucine 1201 with methionine.
Molecular consequence: missense variant.
Genome position (GRCh38, 1-based): chr19:38,469,349, C>A. VCF-style: chr19-38469349-C-A. GRCh37 (hg19) VCF-style: chr19-38959989-C-A.
Other names: c.3601C>A, p.Leu1201Met (NM_001042723.2); short protein forms L1201M.
Identifiers: ClinVar variation 2435570 (VCV002435570.4), dbSNP rs1448249415, ClinGen allele CA405639202.
Genomic context (GRCh38, chr19:38,469,349, plus strand): 5'-CATCCCCTCCCACCAGGCTTCCTGCCCGTCTGCAGCTTGGGACCTGGCCAGGTGGGTCAT[C>A]TGAACCTGGGCCAGGACGTGAGCTCTCTGAGGTTCTTTGCCATCTGTGGCCTCCAGGAAG-3'
Protein context (NP_000531.2, residues 1191-1211): CSLGPGQVGH[Leu1201Met]NLGQDVSSLR